The following is an entry in ClinVar:

NM_006361.6(HOXB13):c.282G>A (p.Arg94=)

Gene: HOXB13 (homeobox B13; minus strand). Cytogenetic location: 17q21.32.
Variant type: single nucleotide variant.
Coding change: c.282G>A on transcript NM_006361.6 (MANE Select); coding-DNA position 282, G replaced by A.
Protein change: p.Arg94=; no amino-acid change (arginine 94 retained).
Molecular consequence: synonymous variant.
Genome position (GRCh38, 1-based): chr17:48,728,312, C>T on the plus strand (G>A on the coding strand, the complement: HOXB13 is on the minus strand). VCF-style: chr17-48728312-C-T. GRCh37 (hg19) VCF-style: chr17-46805674-C-T.
Identifiers: ClinVar variation 1625048 (VCV001625048.11), dbSNP rs2143073149, ClinGen allele CA500661961.
Genomic context (GRCh38, chr17:48,728,312, plus strand): 5'-GGGAGTCTCCGCGGGGTACGCGGCCAGGGTGGCTGCCTGGGCACAGGGTTTCAGCGAGCT[C>T]CGGGACACTCGGCAGGAGTAGTACCCGCCTCCAAAGTAACCATAAGGCACGGGAGCTGGG-3'
Protein context (NP_006352.2, residues 84-104): GGGYYSCRVS[Arg94=]SSLKPCAQAA

ClinVar aggregate classification (germline): Benign/Likely benign. Review status: criteria provided, multiple submitters, no conflicts (2 of 4 stars). 3 submissions from 3 submitters: Benign (1); Likely benign (2). Last evaluated 2024-10-29.

Conditions:
Prostate cancer, hereditary, 9 (HPC9). Identifiers: Orphanet 1331, MedGen C1970250, MONDO:0012597, OMIM 610997.
Hereditary cancer-predisposing syndrome. Also called: Neoplastic Syndromes, Hereditary; Hereditary neoplastic syndrome; Hereditary Cancer Syndrome; Tumor predisposition. Identifiers: Orphanet 140162, MedGen C0027672, MeSH D009386, MONDO:0015356.

Allele frequency attached by ClinVar (database versions not stated): gnomAD exomes below 0.00001.
gnomAD v4.1: 2 of 1,614,098 alleles (0.00012%); highest among the groups gnomAD compares: Non-Finnish European, 0.00017%; no homozygotes.

Submissions (3):

Myriad Genetics, Inc.
Classification: Benign for Prostate cancer, hereditary, 9. Last evaluated: 2024-10-29. Review status: criteria provided, single submitter. Criteria: Myriad Autosomal Dominant, Autosomal Recessive and X-Linked Classification Criteria (2023). Collection method: clinical testing. Allele origin: unknown.
Comment: This variant is considered benign. This variant is a silent/synonymous amino acid change and it is not expected to impact splicing.

Labcorp Genetics (formerly Invitae), Labcorp
Classification: Likely benign. Last evaluated: 2022-12-24. Review status: criteria provided, single submitter. Criteria: Invitae Variant Classification Sherloc (09022015). Collection method: clinical testing. Allele origin: germline.

Ambry Genetics
Classification: Likely benign for Hereditary cancer-predisposing syndrome. Last evaluated: 2022-02-15. Review status: criteria provided, single submitter. Criteria: Ambry Variant Classification Scheme 2023. Collection method: clinical testing. Allele origin: germline.